The following is an entry in ClinVar:

NM_000540.3(RYR1):c.123C>T (p.Phe41=)

Gene: RYR1 (ryanodine receptor 1; plus strand). Cytogenetic location: 19q13.2.
Variant type: single nucleotide variant.
Coding change: c.123C>T on transcript NM_000540.3 (MANE Select); coding-DNA position 123, C replaced by T.
Protein change: p.Phe41=; no amino-acid change (phenylalanine 41 retained).
Molecular consequence: synonymous variant.
Genome position (GRCh38, 1-based): chr19:38,440,822, C>T. VCF-style: chr19-38440822-C-T. GRCh37 (hg19) VCF-style: chr19-38931462-C-T.
Other names: c.123C>T, p.Phe41= (NM_001042723.2).
Identifiers: ClinVar variation 389560 (VCV000389560.12), dbSNP rs753672925, ClinGen allele CA058868.

ClinVar aggregate classification (germline): Likely benign. Review status: criteria provided, multiple submitters, no conflicts (2 of 4 stars). 6 submissions from 6 submitters: Likely benign (6). Last evaluated 2026-01-22.

Conditions:
RYR1-related disorder. Also called: RYR1-related condition; RYR1-related disorders. Identifiers: MedGen CN239331.
Malignant hyperthermia, susceptibility to, 1 (MHS1). Also called: Malignant hyperthermia suceptibility 1; Anesthesia related hyperthermia; Malignant hyperpyrexia; Fulminating hyperpyrexia; Pharmacogenic myopathy; RYR1-Related Malignant Hyperthermia Susceptibility. Identifiers: Orphanet 423, MedGen C2930980, MONDO:0007783, OMIM 145600.

Allele frequency attached by ClinVar (database versions not stated): gnomAD exomes 0.00001 and 0.00002; ExAC 0.00002; TOPMed 0.00002; gnomAD 0.00003.
gnomAD v4.1: 23 of 1,609,588 alleles (0.0014%); highest among the groups gnomAD compares: Middle Eastern, 0.017%; no homozygotes.

Submissions (6):

Labcorp Genetics (formerly Invitae), Labcorp
Classification: Likely benign for RYR1-related disorder. Last evaluated: 2026-01-22. Review status: criteria provided, single submitter. Criteria: Invitae Variant Classification Sherloc (09022015). Collection method: clinical testing. Allele origin: germline.

CeGaT Center for Human Genetics Tuebingen
Classification: Likely benign. Last evaluated: 2025-12-01. Review status: criteria provided, single submitter. Criteria: CeGaT Center For Human Genetics Tuebingen Variant Classification Criteria Version 2. Collection method: clinical testing. Allele origin: germline. Affected: yes. Observed: 1 variant allele.
Comment: RYR1: BP4, BP7

All of Us Research Program, National Institutes of Health
Classification: Likely benign for Malignant hyperthermia, susceptibility to, 1. Last evaluated: 2023-12-13. Review status: criteria provided, single submitter. Criteria: ACMG Guidelines, 2015. Collection method: clinical testing. Allele origin: germline. Inheritance: Autosomal dominant inheritance. Observed: 4 variant alleles, 4 heterozygotes.
Comment: This study involves interpretation of variants in research participants for the purpose of population health screening. Participant phenotype was not available at the time of variant classification. Additional details can be found in publication PMID: 35346344, PMCID: PMC8962531

Blueprint Genetics
Classification: Likely benign. Last evaluated: 2023-02-20. Review status: criteria provided, single submitter. Criteria: ACMG Guidelines, 2015. Collection method: clinical testing. Allele origin: germline.

Color Diagnostics, LLC DBA Color Health
Classification: Likely benign for Malignant hyperthermia, susceptibility to, 1. Last evaluated: 2022-11-06. Review status: criteria provided, single submitter. Criteria: ACMG Guidelines, 2015. Collection method: clinical testing. Allele origin: germline.

GeneDx
Classification: Likely benign. Last evaluated: 2016-10-10. Review status: criteria provided, single submitter. Criteria: GeneDx Variant Classification (06012015). Collection method: clinical testing. Allele origin: germline. Affected: yes.
Comment: This variant is considered likely benign or benign based on one or more of the following criteria: it is a conservative change, it occurs at a poorly conserved position in the protein, it is predicted to be benign by multiple in silico algorithms, and/or has population frequency not consistent with disease.